The following is an entry in ClinVar:

ClinVar aggregate classification (germline): Benign/Likely benign. Review status: criteria provided, multiple submitters, no conflicts (2 of 4 stars). 3 submissions from 3 submitters: Benign (1); Likely benign (1). 1 of the submissions does not count toward it. Last evaluated 2026-05-12.

Conditions:
RREB1-related disorder. Also called: RREB1-related condition.

Allele frequency attached by ClinVar (database versions not stated): 1000 Genomes Project 0.00639; 1000 Genomes Project 30x 0.00703; gnomAD exomes 0.00270 and 0.00132; gnomAD 0.00801 and 0.00854; TOPMed 0.00890; ESP Exome Variant Server 0.00946; ExAC 0.00279.
gnomAD v4.1: 3,313 of 1,608,906 alleles (0.21%); highest among the groups gnomAD compares: African/African-American, 2.6%; 23 homozygotes.

Submissions (3):

Women's Health and Genetics/Laboratory Corporation of America, LabCorp
Classification: Likely benign. Last evaluated: 2026-05-12. Review status: criteria provided, single submitter. Criteria: LabCorp Variant Classification Summary - May 2015. Collection method: clinical testing. Allele origin: germline.

Labcorp Genetics (formerly Invitae), Labcorp
Classification: Benign. Last evaluated: 2019-12-31. Review status: criteria provided, single submitter. Criteria: Invitae Variant Classification Sherloc (09022015). Collection method: clinical testing. Allele origin: germline.

PreventionGenetics, part of Exact Sciences
Classification: Benign for RREB1-related condition. Last evaluated: 2019-02-21. Review status: no assertion criteria provided. Collection method: clinical testing. Allele origin: germline. Not counted in ClinVar's aggregate classification.
Comment: This variant is classified as benign based on ACMG/AMP sequence variant interpretation guidelines (Richards et al. 2015 PMID: 25741868, with internal and published modifications).

NM_001003699.4(RREB1):c.1024G>A (p.Asp342Asn)

Gene: RREB1 (ras responsive element binding protein 1; plus strand). Cytogenetic location: 6p24.3.
Variant type: single nucleotide variant.
Coding change: c.1024G>A on transcript NM_001003699.4 (MANE Select); coding-DNA position 1024, G replaced by A.
Protein change: p.Asp342Asn; replaces aspartic acid 342 with asparagine.
Molecular consequence: missense variant.
Genome position (GRCh38, 1-based): chr6:7,229,123, G>A. VCF-style: chr6-7229123-G-A. GRCh37 (hg19) VCF-style: chr6-7229356-G-A.
Other names: c.1024G>A, p.Asp342Asn (NM_001003698.4, NM_001003700.2, NM_001168344.2); short protein forms D342N.
Identifiers: ClinVar variation 773179 (VCV000773179.7), dbSNP rs113114064, ClinGen allele CA3625441.